The following is an entry in ClinVar:

ClinVar aggregate classification (germline): Uncertain significance. Review status: criteria provided, single submitter (1 of 4 stars). 2 submissions from 2 submitters: Uncertain significance (1). 1 of the submissions does not count toward it. Last evaluated 2022-05-24.

Conditions:
Bardet-Biedl syndrome (BBS). Identifiers: Orphanet 110, MedGen C0752166, MONDO:0015229.
WDPCP-related disorder. Also called: WDPCP-related condition.

Allele frequency attached by ClinVar (database versions not stated): gnomAD exomes below 0.00001; TOPMed below 0.00001; ExAC 0.00001; gnomAD 0.00001.
gnomAD v4.1: 8 of 1,610,356 alleles (0.0005%); highest among the groups gnomAD compares: Admixed American, 0.0017%; no homozygotes.

Submissions (2):

Labcorp Genetics (formerly Invitae), Labcorp
Classification: Uncertain significance for Bardet-Biedl syndrome. Last evaluated: 2022-05-24. Review status: criteria provided, single submitter. Criteria: Invitae Variant Classification Sherloc (09022015). Collection method: clinical testing. Allele origin: germline.
Comment: This sequence change falls in intron 15 of the WDPCP gene. It does not directly change the encoded amino acid sequence of the WDPCP protein. It affects a nucleotide within the consensus splice site. This variant is present in population databases (rs754322425, gnomAD 0.002%). This variant has not been reported in the literature in individuals affected with WDPCP-related conditions. Variants that disrupt the consensus splice site are a relatively common cause of aberrant splicing (PMID: 17576681, 9536098). Algorithms developed to predict the effect of sequence changes on RNA splicing suggest that this variant may disrupt the consensus splice site. In summary, the available evidence is currently insufficient to determine the role of this variant in disease. Therefore, it has been classified as a Variant of Uncertain Significance.

PreventionGenetics, part of Exact Sciences
Classification: Likely benign for WDPCP-related condition. Last evaluated: 2024-04-16. Review status: no assertion criteria provided. Collection method: clinical testing. Allele origin: germline. Not counted in ClinVar's aggregate classification.
Comment: This variant is classified as likely benign based on ACMG/AMP sequence variant interpretation guidelines (Richards et al. 2015 PMID: 25741868, with internal and published modifications).

Literature cited by the submitters: PubMed 17576681 (cited by Labcorp Genetics (formerly Invitae), Labcorp); PubMed 9536098 (cited by Labcorp Genetics (formerly Invitae), Labcorp).

NM_015910.7(WDPCP):c.2079-3C>T

Gene: WDPCP (WD repeat containing planar cell polarity effector; minus strand). Cytogenetic location: 2p15.
Variant type: single nucleotide variant.
Coding change: c.2079-3C>T on transcript NM_015910.7 (MANE Select); 3 bases into the intron before coding-DNA position 2079, C replaced by T.
Molecular consequence: intron variant.
Genome position (GRCh38, 1-based): chr2:63,153,577, G>A on the plus strand (C>T on the coding strand, the complement: WDPCP is on the minus strand). VCF-style: chr2-63153577-G-A. GRCh37 (hg19) VCF-style: chr2-63380712-G-A.
Other names: c.2079-3C>T (NM_015910.5); c.2007-3C>T (NM_001354044.2); c.1602-3C>T (NM_001042692.3).
Identifiers: ClinVar variation 1990101 (VCV001990101.2), dbSNP rs754322425, ClinGen allele CA1682005.